The following is an entry in ClinVar:

ClinVar aggregate classification (germline): Uncertain significance (1 of 4 stars; one submission).

Submission:

Mayo Clinic Laboratories, Mayo Clinic
Classification: Uncertain significance. Last evaluated: 2025-01-13. Review status: criteria provided, single submitter. Criteria: ACMG Guidelines, 2015. Collection method: clinical testing. Allele origin: germline. Observed: 1 variant allele.
Comment: BP4_moderate, PM2_supporting

NM_001378615.1(CC2D2A):c.346G>A (p.Glu116Lys)

Genes: CC2D2A (coiled-coil and C2 domain containing 2A; plus strand), FBXL5 (F-box and leucine rich repeat protein 5; minus strand). Cytogenetic location: 4p15.32.
Variant type: single nucleotide variant.
Coding change: c.346G>A on transcript NM_001378615.1 (MANE Select); coding-DNA position 346, G replaced by A.
Protein change: p.Glu116Lys; replaces glutamic acid 116 with lysine.
Molecular consequence: missense variant.
Genome position (GRCh38, 1-based): chr4:15,502,831, G>A. VCF-style: chr4-15502831-G-A. GRCh37 (hg19) VCF-style: chr4-15504454-G-A.
Other names: p.Glu116Lys; c.346G>A, p.Glu116Lys (NM_001080522.2); c.199G>A, p.Glu67Lys (NM_001378617.1); short protein forms E67K, E116K.
Identifiers: ClinVar variation 4540977 (VCV004540977.1).